The following is an entry in ClinVar:

NM_002890.3(RASA1):c.211T>C (p.Phe71Leu)

Gene: RASA1 (RAS p21 protein activator 1; plus strand). Cytogenetic location: 5q14.3.
Variant type: single nucleotide variant.
Coding change: c.211T>C on transcript NM_002890.3 (MANE Select); coding-DNA position 211, T replaced by C.
Protein change: p.Phe71Leu; replaces phenylalanine 71 with leucine.
Molecular consequence: missense variant.
Genome position (GRCh38, 1-based): chr5:87,268,662, T>C. VCF-style: chr5-87268662-T-C. GRCh37 (hg19) VCF-style: chr5-86564479-T-C.
Other names: short protein forms F71L.
Identifiers: ClinVar variation 1387518 (VCV001387518.6), dbSNP rs2112222520, ClinGen allele CA360416985.

ClinVar aggregate classification (germline): Uncertain significance (1 of 4 stars; one submission).

Conditions:
Capillary malformation-arteriovenous malformation syndrome. Also called: Capillary malformation-arteriovenous malformation. Identifiers: Orphanet 137667, MedGen C1842180, MONDO:0012016.

Submission:

Labcorp Genetics (formerly Invitae), Labcorp
Classification: Uncertain significance for Capillary malformation-arteriovenous malformation syndrome. Last evaluated: 2021-10-16. Review status: criteria provided, single submitter. Criteria: Invitae Variant Classification Sherloc (09022015). Collection method: clinical testing. Allele origin: germline.
Comment: Algorithms developed to predict the effect of missense changes on protein structure and function output the following: SIFT: "Tolerated"; PolyPhen-2: "Benign"; Align-GVGD: "Class C0". The leucine amino acid residue is found in multiple mammalian species, which suggests that this missense change does not adversely affect protein function. In summary, the available evidence is currently insufficient to determine the role of this variant in disease. Therefore, it has been classified as a Variant of Uncertain Significance. This variant has not been reported in the literature in individuals affected with RASA1-related conditions. This variant is not present in population databases (ExAC no frequency). This sequence change replaces phenylalanine with leucine at codon 71 of the RASA1 protein (p.Phe71Leu). The phenylalanine residue is weakly conserved and there is a small physicochemical difference between phenylalanine and leucine.